The following is an entry in ClinVar:

NM_001105206.3(LAMA4):c.1618T>C (p.Ser540Pro)

Gene: LAMA4 (laminin subunit alpha 4; minus strand). Cytogenetic location: 6q21.
Variant type: single nucleotide variant.
Coding change: c.1618T>C on transcript NM_001105206.3 (MANE Select); coding-DNA position 1618, T replaced by C.
Protein change: p.Ser540Pro; replaces serine 540 with proline.
Molecular consequence: missense variant.
Genome position (GRCh38, 1-based): chr6:112,165,210, A>G on the plus strand (T>C on the coding strand, the complement: LAMA4 is on the minus strand). VCF-style: chr6-112165210-A-G. GRCh37 (hg19) VCF-style: chr6-112486412-A-G.
Other names: c.1597T>C, p.Ser533Pro (NM_001105207.3, NM_002290.5); short protein forms S533P, S540P.
Identifiers: ClinVar variation 4737210 (VCV004737210.1).

ClinVar aggregate classification (germline): Uncertain significance (1 of 4 stars; one submission).

Conditions:
Dilated cardiomyopathy 1JJ (CMD1JJ). Identifiers: Orphanet 154, MedGen C3808935, MONDO:0014095, OMIM 615235.

gnomAD v4.1: 1 of 1,613,706 alleles (0.000062%); highest among the groups gnomAD compares: Non-Finnish European, 0.000085%; no homozygotes.

Submission:

Labcorp Genetics (formerly Invitae), Labcorp
Classification: Uncertain significance for Dilated cardiomyopathy 1JJ. Last evaluated: 2025-11-09. Review status: criteria provided, single submitter. Criteria: Invitae Variant Classification Sherloc (09022015). Collection method: clinical testing. Allele origin: germline.
Comment: This sequence change replaces serine, which is neutral and polar, with proline, which is neutral and non-polar, at codon 533 of the LAMA4 protein (p.Ser533Pro). This variant is present in population databases (rs782651272, gnomAD 0.0009%). This variant has not been reported in the literature in individuals affected with LAMA4-related conditions. Invitae Evidence Modeling of protein sequence and biophysical properties (such as structural, functional, and spatial information, amino acid conservation, physicochemical variation, residue mobility, and thermodynamic stability) indicates that this missense variant is not expected to disrupt LAMA4 protein function with a negative predictive value of 80%. In summary, the available evidence is currently insufficient to determine the role of this variant in disease. Therefore, it has been classified as a Variant of Uncertain Significance.